The following is an entry in ClinVar:

ClinVar aggregate classification (germline): Uncertain significance (1 of 4 stars; one submission).

Allele frequency attached by ClinVar (database versions not stated): gnomAD 0.00005 and 0.00006; TOPMed 0.00006; gnomAD exomes 0.00007 and 0.00019.
gnomAD v4.1: 268 of 1,551,200 alleles (0.017%); highest among the groups gnomAD compares: Non-Finnish European, 0.022%; no homozygotes.

Submission:

GeneDx
Classification: Uncertain significance. Last evaluated: 2023-09-29. Review status: criteria provided, single submitter. Criteria: GeneDx Variant Classification Process June 2021. Collection method: clinical testing. Allele origin: germline. Affected: yes.
Comment: Canonical splice site variant in a gene or region of a gene for which loss of function is not a well-established mechanism of disease; Has not been previously published as pathogenic or benign to our knowledge

NM_001367479.1(DNAH14):c.11777-2A>G

Gene: DNAH14 (dynein axonemal heavy chain 14; plus strand). Cytogenetic location: 1q42.12.
Variant type: single nucleotide variant.
Coding change: c.11777-2A>G on transcript NM_001367479.1 (MANE Select); the canonical splice acceptor site of the intron before coding-DNA position 11777, A replaced by G.
Molecular consequence: splice acceptor variant.
Genome position (GRCh38, 1-based): chr1:225,360,679, A>G. VCF-style: chr1-225360679-A-G. GRCh37 (hg19) VCF-style: chr1-225548381-A-G.
Identifiers: ClinVar variation 441084 (VCV000441084.3), dbSNP rs984710416, ClinGen allele CA38510199.